The following is an entry in ClinVar:

ClinVar aggregate classification (germline): Benign/Likely benign. Review status: criteria provided, multiple submitters, no conflicts (2 of 4 stars). 9 submissions from 9 submitters: Benign (1); Likely benign (7). 1 of the submissions does not count toward it. Last evaluated 2026-01-18.

Conditions:
RAD51D-related disorder. Also called: RAD51D-related condition.
Hereditary cancer-predisposing syndrome. Also called: Hereditary neoplastic syndrome; Neoplastic Syndromes, Hereditary; Tumor predisposition; Hereditary Cancer Syndrome. Identifiers: Orphanet 140162, MedGen C0027672, MeSH D009386, MONDO:0015356.
Breast-ovarian cancer, familial, susceptibility to, 4. Identifiers: Orphanet 145, MedGen C3280345, MONDO:0013669, OMIM 614291.

Allele frequency attached by ClinVar (database versions not stated): ESP Exome Variant Server 0.00015; gnomAD 0.00018; TOPMed 0.00018; 1000 Genomes Project 0.00020; 1000 Genomes Project 30x 0.00031.
gnomAD v4.1: 39 of 1,612,646 alleles (0.0024%); highest among the groups gnomAD compares: African/African-American, 0.049%; no homozygotes.

Submissions (9):

Labcorp Genetics (formerly Invitae), Labcorp
Classification: Likely benign for Breast-ovarian cancer, familial, susceptibility to, 4. Last evaluated: 2026-01-18. Review status: criteria provided, single submitter. Criteria: Invitae Variant Classification Sherloc (09022015). Collection method: clinical testing. Allele origin: germline.

Myriad Genetics, Inc.
Classification: Benign for Breast-ovarian cancer, familial, susceptibility to, 4. Last evaluated: 2025-02-20. Review status: criteria provided, single submitter. Criteria: Myriad Autosomal Dominant, Autosomal Recessive and X-Linked Classification Criteria (2023). Collection method: clinical testing. Allele origin: unknown.
Comment: This variant is considered benign. This variant is a silent/synonymous amino acid change and it is not expected to impact splicing.

Sema4
Classification: Likely benign for Hereditary cancer-predisposing syndrome. Last evaluated: 2021-05-19. Review status: criteria provided, single submitter. Criteria: Sema4 Curation Guidelines. Collection method: curation. Allele origin: germline.

GeneDx
Classification: Likely benign. Last evaluated: 2020-06-02. Review status: criteria provided, single submitter. Criteria: GeneDx Variant Classification Process June 2021. Collection method: clinical testing. Allele origin: germline. Affected: yes.

Mendelics
Classification: Likely benign for Breast-ovarian cancer, familial, susceptibility to, 4. Last evaluated: 2019-05-28. Review status: criteria provided, single submitter. Criteria: Mendelics Assertion Criteria 2017. Collection method: clinical testing. Allele origin: unknown.

Women's Health and Genetics/Laboratory Corporation of America, LabCorp
Classification: Likely benign. Last evaluated: 2016-10-28. Review status: criteria provided, single submitter. Criteria: LabCorp Variant Classification Summary - May 2015. Collection method: clinical testing. Allele origin: germline.
Comment: Variant summary: The RAD51D c.39C>G (p.Thr13Thr) variant involves the alteration of a non-conserved nucleotide, resulting in a synonymous change. One in silico tool predicts a damaging outcome for this variant. 5/5 splice prediction tools predict no significant impact on normal splicing. ESE finder predicts that this variant may affect ESE sites. However, these predictions have yet to be confirmed by functional studies. This variant was found in 9/119710 control chromosomes, predominantly observed in the African subpopulation at a frequency of 0.0008858 (9/10160). This frequency is about 7 times the estimated maximal expected allele frequency of a pathogenic RAD51D variant (0.000125), suggesting this is likely a benign polymorphism found primarily in the populations of African origin. In addition, multiple clinical diagnostic laboratories/reputable databases classified this variant as likely benign. The variant of interest has not, to our knowledge, been reported in affected individuals via publications; nor evaluated for functional impact by in vivo/vitro studies. Taken together, this variant is classified as probably benign until more information becomes available.

Color Diagnostics, LLC DBA Color Health
Classification: Likely benign for Hereditary cancer-predisposing syndrome. Last evaluated: 2015-10-29. Review status: criteria provided, single submitter. Criteria: ACMG Guidelines, 2015. Collection method: clinical testing. Allele origin: germline.

Ambry Genetics
Classification: Likely benign for Hereditary cancer-predisposing syndrome. Last evaluated: 2014-09-02. Review status: criteria provided, single submitter. Criteria: Ambry Variant Classification Scheme 2023. Collection method: clinical testing. Allele origin: germline.

PreventionGenetics, part of Exact Sciences
Classification: Likely benign for RAD51D-related condition. Last evaluated: 2020-08-21. Review status: no assertion criteria provided. Collection method: clinical testing. Allele origin: germline. Not counted in ClinVar's aggregate classification.
Comment: This variant is classified as likely benign based on ACMG/AMP sequence variant interpretation guidelines (Richards et al. 2015 PMID: 25741868, with internal and published modifications).

NM_002878.4(RAD51D):c.39C>G (p.Thr13=)

Genes: RAD51L3-RFFL (RAD51L3-RFFL readthrough; minus strand), RAD51D (RAD51 paralog D; minus strand). Cytogenetic location: 17q12.
Variant type: single nucleotide variant.
Coding change: c.39C>G on transcript NM_002878.4 (MANE Select); coding-DNA position 39, C replaced by G.
Protein change: p.Thr13=; no amino-acid change (threonine 13 retained).
Molecular consequence: synonymous variant. On other transcripts: non-coding transcript variant (2).
Genome position (GRCh38, 1-based): chr17:35,119,575, G>C on the plus strand (C>G on the coding strand, the complement: RAD51D is on the minus strand). VCF-style: chr17-35119575-G-C. GRCh37 (hg19) VCF-style: chr17-33446594-G-C.
Other names: c.39C>G, p.Thr13= (NM_133629.3, NM_001142571.2).
Identifiers: ClinVar variation 184815 (VCV000184815.24), dbSNP rs146448657, ClinGen allele CA190132.
Genomic context (GRCh38, chr17:35,119,575, plus strand): 5'-CGCGCACACCCGGTCACCTGTCTTGATCCTGTGGCTCCTGAGAAGCTGGATCATCTCCTC[G>C]GTAAGGCCAGGGCACAGTCCGACCCTGAGCACGCCCATGTTCCCCGCAGGCCGGAACAGC-3'
Protein context (NP_002869.3, residues 3-23): VLRVGLCPGL[Thr13=]EEMIQLLRSH